The following is an entry in ClinVar:

ClinVar aggregate classification (germline): Pathogenic. Review status: reviewed by expert panel (3 of 4 stars). 9 submissions from 9 submitters: Pathogenic (1). 8 of the submissions do not count toward it. Last evaluated 2023-06-08.

Conditions:
GAMT-related disorder. Also called: GAMT-related condition.
Cerebral creatine deficiency syndrome. Also called: Creatine deficiency syndromes. Identifiers: Orphanet 79172, MedGen C5244016, MONDO:0000456.
Deficiency of guanidinoacetate methyltransferase (CCDS2). Also called: GAMT DEFICIENCY; CEREBRAL CREATINE DEFICIENCY SYNDROME 2; Guanidinoacetate Methyltransferase (GAMT) Deficiency. Identifiers: Orphanet 382, MedGen C0574080, MONDO:0012999, OMIM 612736.

Allele frequency attached by ClinVar (database versions not stated): ExAC 0.00001; gnomAD exomes 0.00002; TOPMed 0.00003.
gnomAD v4.1: 61 of 1,613,480 alleles (0.0038%); highest among the groups gnomAD compares: Non-Finnish European, 0.0046%; no homozygotes.

Submissions (9):

ClinGen Cerebral Creatine Deficiency Syndromes Variant Curation Expert Panel, ClinGen
Classification: Pathogenic for Deficiency of guanidinoacetate methyltransferase. Last evaluated: 2023-06-08. Review status: reviewed by expert panel. Criteria: ClinGen_CCDS_ACMG_Specifications_GAMT_v1.1. Collection method: curation. Allele origin: germline. Inheritance: Autosomal recessive inheritance.
Comment: The NM_000156.6(GAMT):c.403G>A variant in GAMT is predicted to result in the substitution of aspartate by asparagine at amino acid 135 (p.Asp135Asn). Four probands and one affected sibling have been reported with this variant, all with clinical symptoms consistent with GAMT deficiency, evidence of elevated guanidinoacetate and low creatine in plasma and/or urine, and reduced creatine on brain MRS with guanidinoacetate peak also noted for two patients. In addition, one proband was shown to have deficient GAMT activity in fibroblasts (PMID: 19027335, 19388150, 24071436, 24268530, 24415674) (PP4_Strong). Each of these individuals is compound heterozygous for the variant and another variant in GAMT that has been classified as pathogenic or likely pathogenic by the ClinGen CCDS VCEP including c.327G>A (2 patients; PMID: 24071436, 24268530, 24415674), c.299dup13 (a.k.a. c.299_311dup) (PMID: 19388150), and c.507_521dup15 (p.Cys169_Ser173dup) (PMID: 19027335)(PM3). The highest population minor allele frequency in gnomAD v2.1.1 is 0.00011 (2/18390 alleles) in the East Asian population, which is lower than the ClinGen CCDS VCEP’s threshold for PM2_Supporting (<0.0004), meeting this criterion (PM2_Supporting). When the variant was expressed in GAMT-deficient fibroblasts, GAMT enzyme activity was undetectable (PMID: 24415674). The computational predictor REVEL gives a score of 0.856 which is above the threshold of 0.75, evidence that correlates with impact to GAMT function (PP3). Another variant at the same amino acid position, c.403G>T (p.Asp135Tyr), has been classified as likely pathogenic by the ClinGen CCDS VCEP (and would be likely pathogenic even without the use of PM5, therefore avoiding circular logic) (PM5_Supporting). There is a ClinVar entry for this variant (Variation ID: 573140). In summary, this variant meets the criteria to be classified as pathogenic for GAMT deficiency. GAMT-specific ACMG/AMP criteria applied, as specified by the ClinGen Cerebral Creatine Deficiency Syndromes Variant Curation Expert Panel (Specifications Version 1.1.0); PP4_Strong, PM3, PP3, PS3_Supporting, PM2_Supporting, PM5_Supporting. (Classification approved by the ClinGen CCDS VCEP on June 8, 2023)

Labcorp Genetics (formerly Invitae), Labcorp
Classification: Pathogenic for Cerebral creatine deficiency syndrome. Last evaluated: 2025-11-27. Review status: criteria provided, single submitter. Criteria: Invitae Variant Classification Sherloc (09022015). Collection method: clinical testing. Allele origin: germline. Not counted in ClinVar's aggregate classification.
Comment: This sequence change replaces aspartic acid, which is acidic and polar, with asparagine, which is neutral and polar, at codon 135 of the GAMT protein (p.Asp135Asn). This variant is present in population databases (rs774144200, gnomAD 0.006%). This missense change has been observed in individual(s) with guanidinoacetate methyltransferase deficiency (PMID: 19388150, 24071436, 24415674, 35588794). In at least one individual the data is consistent with being in trans (on the opposite chromosome) from a pathogenic variant. ClinVar contains an entry for this variant (Variation ID: 573140). Invitae Evidence Modeling of protein sequence and biophysical properties (such as structural, functional, and spatial information, amino acid conservation, physicochemical variation, residue mobility, and thermodynamic stability) indicates that this missense variant is expected to disrupt GAMT protein function with a positive predictive value of 95%. Experimental studies have shown that this missense change affects GAMT function (PMID: 24415674). This variant disrupts the p.Asp135 amino acid residue in GAMT. Other variant(s) that disrupt this residue have been observed in individuals with GAMT-related conditions (PMID: 19027335), which suggests that this may be a clinically significant amino acid residue. For these reasons, this variant has been classified as Pathogenic.

Natera, Inc.
Classification: Pathogenic for Guanidinoacetate methyltransferase deficiency. Last evaluated: 2025-11-25. Review status: criteria provided, single submitter. Criteria: Natera Variant Classification Schema (03/2026). Collection method: clinical testing. Allele origin: germline. Not counted in ClinVar's aggregate classification.
Comment: The c.403G>A variant in GAMT is a missense variant predicted to cause substitution of aspartic acid to asparagine at amino acid 135. This variant is rare in the general population with a frequency below the threshold expected for the associated phenotype(s). This variant has been observed in one or more individuals affected with the associated recessive disease, as either homozygous or compound heterozygous with a second variant (PMID: 24071436, 35588794, 37305710, 19388150). Additionally, this variant has been observed to segregate in affected family members (PMID: 19388150). Functional studies show that this variant may disrupt protein function (PMID: 24415674). Computational prediction algorithms indicate this variant is likely to affect gene or protein function. Given the available evidence, this variant is classified as Pathogenic.

Blueprint Genetics
Classification: Pathogenic for GAMT-related disorders. Last evaluated: 2024-06-05. Review status: criteria provided, single submitter. Criteria: ACMG Guidelines, 2015. Collection method: clinical testing. Allele origin: germline. Affected: yes. Observed: 5 variant alleles. Not counted in ClinVar's aggregate classification.

Institute of Human Genetics, University of Leipzig Medical Center
Classification: Pathogenic for Deficiency of guanidinoacetate methyltransferase. Last evaluated: 2024-03-20. Review status: criteria provided, single submitter. Criteria: ACMG Guidelines, 2015. Collection method: clinical testing. Allele origin: de novo. Inheritance: Autosomal recessive inheritance. Affected: yes. Not counted in ClinVar's aggregate classification.
Comment: Criteria applied: PM3_VSTR,PM2,PS3_SUP,PP3

Fulgent Genetics
Classification: Likely pathogenic for Deficiency of guanidinoacetate methyltransferase. Last evaluated: 2022-04-11. Review status: criteria provided, single submitter. Criteria: ACMG Guidelines, 2015. Collection method: clinical testing. Allele origin: unknown. Not counted in ClinVar's aggregate classification.

Broad Center for Mendelian Genomics, Broad Institute of MIT and Harvard
Classification: Pathogenic for Cerebral creatine deficiency syndrome. Last evaluated: 2021-11-02. Review status: criteria provided, single submitter. Criteria: ACMG Guidelines, 2015. Collection method: curation. Allele origin: germline. Inheritance: Autosomal recessive inheritance. Not counted in ClinVar's aggregate classification.
Comment: The p.Asp135Asn variant in GAMT has been reported in 5 individuals with cerebral creatine deficiency syndrome (PMID: 19388150, 24415674, 24268530, 19027335, 24071436), segregated with disease in 1 affected relative from 1 family (PMID: 19388150), and has been identified in 0.01% (2/18390) of East Asian chromosomes by the Genome Aggregation Database (gnomAD; dbSNP ID: rs774144200). Although this variant has been seen in the general population in a heterozygous state, its frequency is low enough to be consistent with a recessive carrier frequency. Of the 5 affected individuals, 4 were compound heterozygotes that carried reported pathogenic variants with unknown phase, which increases the likelihood that the p.Asp135Asn variant is pathogenic (VariationID: 21065, 8302; PMID: 19388150, 24415674, 24268530, 19027335, 24071436). This variant has also been reported in ClinVar (Variation ID#: 573140) and has been interpreted as VUS by Invitae. In vitro functional studies provide some evidence that the p.Asp135Asn variant may slightly impact protein function (PMID: 24268530). However, these types of assays may not accurately represent biological function. Computational prediction tools and conservation analyses suggest that this variant may impact the protein, though this information is not predictive enough to determine pathogenicity. The phenotype of individuals homozygous or compound heterozygous for this variant is highly specific for cerebral creatine deficiency syndrome based on strict biochemical investigations consistent with disease (PMID: 19027335, 24071436, 24415674, 19388150). In summary, this variant meets criteria to be classified as pathogenic for autosomal recessive cerebral creatine deficiency syndrome. ACMG/AMP Criteria applied: PM3_strong, PS3_supporting, PP3, PP4_strong, PM2_supporting (Richards 2015).

Revvity Omics, Revvity
Classification: Likely pathogenic for Deficiency of guanidinoacetate methyltransferase. Last evaluated: 2021-10-04. Review status: criteria provided, single submitter. Criteria: ACMG Guidelines, 2015. Collection method: clinical testing. Allele origin: germline. Not counted in ClinVar's aggregate classification.

Juno Genomics, Hangzhou Juno Genomics, Inc
Classification: Pathogenic for Deficiency of guanidinoacetate methyltransferase. Review status: criteria provided, single submitter. Criteria: ACMG Guidelines, 2015. Collection method: clinical testing. Allele origin: germline. Affected: yes. Not counted in ClinVar's aggregate classification.
Comment: Novel missense change at an amino acid residue where a different missense change determined to be pathogenic has been seen before.;Patient's phenotype or family history is highly specific for a disease with a single genetic etiology.;Well-established in vitro or in vivo functional studies supportive of a damaging effect on the gene or gene product.;For recessive disorders, detected in trans with a pathogenic variant.;Multiple lines of computational evidence support a deleterious effect on the gene or gene product.;Absent from controls (or at extremely low frequency if recessive) in Genome Aggregation Database.

Literature cited by the submitters: PubMed 19388150 (cited by Labcorp Genetics (formerly Invitae), Labcorp and Natera, Inc.); PubMed 24071436 (cited by Labcorp Genetics (formerly Invitae), Labcorp and Natera, Inc.); PubMed 24415674 (cited by Labcorp Genetics (formerly Invitae), Labcorp and Natera, Inc.); PubMed 35588794 (cited by Labcorp Genetics (formerly Invitae), Labcorp and Natera, Inc.); PubMed 19027335 (cited by Labcorp Genetics (formerly Invitae), Labcorp); PubMed 37305710 (cited by Natera, Inc.).

NM_000156.6(GAMT):c.403G>A (p.Asp135Asn)

Gene: GAMT (guanidinoacetate N-methyltransferase; minus strand). Cytogenetic location: 19p13.3.
Variant type: single nucleotide variant.
Coding change: c.403G>A on transcript NM_000156.6 (MANE Select); coding-DNA position 403, G replaced by A.
Protein change: p.Asp135Asn; replaces aspartic acid 135 with asparagine.
Molecular consequence: missense variant.
Genome position (GRCh38, 1-based): chr19:1,399,184, C>T on the plus strand (G>A on the coding strand, the complement: GAMT is on the minus strand). VCF-style: chr19-1399184-C-T. GRCh37 (hg19) VCF-style: chr19-1399183-C-T.
Other names: NM_000156.6(GAMT):c.403G>A; p.Asp135Asn; c.403G>A, p.Asp135Asn (NM_138924.3); short protein forms D135N.
Identifiers: ClinVar variation 573140 (VCV000573140.31), dbSNP rs774144200, ClinGen allele CA9043671.